The following is an entry in ClinVar:

NM_001001344.3(ATP2B3):c.3533C>A (p.Ser1178Tyr)

Gene: ATP2B3 (ATPase plasma membrane Ca2+ transporting 3; plus strand). Cytogenetic location: Xq28.
Variant type: single nucleotide variant.
Coding change: c.3533C>A on transcript NM_001001344.3 (MANE Select); coding-DNA position 3533, C replaced by A.
Protein change: p.Ser1178Tyr; replaces serine 1178 with tyrosine.
Molecular consequence: missense variant. On other transcripts: 3 prime UTR variant (2).
Genome position (GRCh38, 1-based): chrX:153,580,168, C>A. VCF-style: chrX-153580168-C-A. GRCh37 (hg19) VCF-style: chrX-152845626-C-A.
Other names: c.*165C>A (NM_001388360.1, NM_021949.4); c.3533C>A, p.Ser1178Tyr (NM_001388361.1); short protein forms S1178Y.
Identifiers: ClinVar variation 390185 (VCV000390185.2), dbSNP rs371663081, ClinGen allele CA10548284.
Genomic context (GRCh38, chrX:153,580,168, plus strand): 5'-TCATTGACGACACGGACGTGGACGAGAACGAGGAGCGCCTCCGGGCCCCCCCGCCCCCGT[C>A]CCCCAACCAGAACAACAACGCCATAGACAGCGGCATCTACCTGACCACGCATGTCACCAA-3'
Protein context (NP_001001344.1, residues 1168-1188): EERLRAPPPP[Ser1178Tyr]PNQNNNAIDS

ClinVar aggregate classification (germline): Uncertain significance (1 of 4 stars; one submission).

Allele frequency attached by ClinVar (database versions not stated): gnomAD 0.00001; TOPMed below 0.00001; ESP Exome Variant Server 0.00009; ExAC 0.00002.
gnomAD v4.1: 2 of 982,191 alleles (0.0002%); highest among the groups gnomAD compares: African/African-American, 0.0039%; no homozygotes.

Submission:

GeneDx
Classification: Uncertain significance. Last evaluated: 2016-10-21. Review status: criteria provided, single submitter. Criteria: GeneDx Variant Classification (06012015). Collection method: clinical testing. Allele origin: germline. Affected: yes.
Comment: The S1178Y variant in the ATP2B3 gene has not been reported previously as a pathogenic variant, nor as a benign variant, to our knowledge. The S1178Y variant was not observed at any significant frequency in approximately 6,500 individuals of European and African American ancestry by the NHLBI Exome Sequencing Project. The S1178Y variant is a semi-conservative amino acid substitution, which may impact secondary protein structure as these residues differ in some properties. This substitution occurs at a position that is not conserved. In silico analysis is inconsistent in its predictions as to whether or not the variant is damaging to the protein structure/function. We interpret S1178Y as a variant of uncertain significance.